The following is an entry in ClinVar:

ClinVar aggregate classification (germline): Uncertain significance. Review status: criteria provided, multiple submitters, no conflicts (2 of 4 stars). 3 submissions from 3 submitters: Uncertain significance (3). Last evaluated 2025-03-05.

Conditions:
Ehlers-Danlos syndrome, type 4 (EDSVASC). Also called: Ehlers-Danlos syndrome vascular type; Ehlers Danlos syndrome, ecchymotic type; Ehlers Danlos syndrome, arterial type; Ehlers Danlos syndrome, Sack-Barabas type; Ehlers-Danlos Syndrome Type IV. Identifiers: Orphanet 286, MedGen C0268338, MONDO:0017314, OMIM 130050.
Familial thoracic aortic aneurysm and aortic dissection (TAAD). Also called: Thoracic aortic aneurysms and dissections. Identifiers: Orphanet 91387, MedGen C4707243, MONDO:0019625.

Submissions (3):

Labcorp Genetics (formerly Invitae), Labcorp
Classification: Uncertain significance for Ehlers-Danlos syndrome, type 4. Last evaluated: 2025-03-05. Review status: criteria provided, single submitter. Criteria: Invitae Variant Classification Sherloc (09022015). Collection method: clinical testing. Allele origin: germline.
Comment: This sequence change replaces arginine, which is basic and polar, with lysine, which is basic and polar, at codon 695 of the COL3A1 protein (p.Arg695Lys). This variant is not present in population databases (gnomAD no frequency). This variant has not been reported in the literature in individuals affected with COL3A1-related conditions. ClinVar contains an entry for this variant (Variation ID: 2146633). Invitae Evidence Modeling of protein sequence and biophysical properties (such as structural, functional, and spatial information, amino acid conservation, physicochemical variation, residue mobility, and thermodynamic stability) indicates that this missense variant is not expected to disrupt COL3A1 protein function with a negative predictive value of 95%. In summary, the available evidence is currently insufficient to determine the role of this variant in disease. Therefore, it has been classified as a Variant of Uncertain Significance.

Ambry Genetics
Classification: Uncertain significance for Familial thoracic aortic aneurysm and aortic dissection. Last evaluated: 2024-09-19. Review status: criteria provided, single submitter. Criteria: Ambry Variant Classification Scheme 2023. Collection method: clinical testing. Allele origin: germline.
Comment: The p.R695K variant (also known as c.2084G>A), located in coding exon 30 of the COL3A1 gene, results from a G to A substitution at nucleotide position 2084. The arginine at codon 695 is replaced by lysine, an amino acid with highly similar properties. This amino acid position is highly conserved in available vertebrate species. In addition, the in silico prediction for this alteration is inconclusive. Based on the available evidence, the clinical significance of this variant remains unclear.

All of Us Research Program, National Institutes of Health
Classification: Uncertain significance for Ehlers-Danlos syndrome, type 4. Last evaluated: 2024-01-11. Review status: criteria provided, single submitter. Criteria: ACMG Guidelines, 2015. Collection method: clinical testing. Allele origin: germline. Inheritance: Autosomal dominant inheritance. Observed: 1 variant allele, 1 heterozygote.
Comment: This study involves interpretation of variants in research participants for the purpose of population health screening. Participant phenotype was not available at the time of variant classification. Additional details can be found in publication PMID: 35346344, PMCID: PMC8962531

NM_000090.4(COL3A1):c.2084G>A (p.Arg695Lys)

Gene: COL3A1 (collagen type III alpha 1 chain; plus strand). Cytogenetic location: 2q32.2.
Variant type: single nucleotide variant.
Coding change: c.2084G>A on transcript NM_000090.4 (MANE Select); coding-DNA position 2084, G replaced by A.
Protein change: p.Arg695Lys; replaces arginine 695 with lysine.
Molecular consequence: missense variant.
Genome position (GRCh38, 1-based): chr2:188,999,346, G>A. VCF-style: chr2-188999346-G-A. GRCh37 (hg19) VCF-style: chr2-189864072-G-A.
Other names: short protein forms R695K.
Identifiers: ClinVar variation 2146633 (VCV002146633.6), dbSNP rs2469143455, ClinGen allele CA349840185.